The following is an entry in ClinVar:

ClinVar aggregate classification (germline): Uncertain significance (1 of 4 stars; one submission).

Conditions:
Arginine:glycine amidinotransferase deficiency (CCDS3). Also called: L-Arginine:Glycine Amidinotransferase (AGAT) Deficiency; Cerebral creatine deficiency syndrome 3; AGAT deficiency; L-Arginine:Glycine Amidinotransferase Deficiency; Creatine deficiency syndrome due to AGAT deficiency; GATM deficiency. Identifiers: Orphanet 35704, MedGen C2675179, MONDO:0012996, OMIM 612718.

gnomAD v4.1: 1 of 1,614,170 alleles (0.000062%); highest among the groups gnomAD compares: African/African-American, 0.0013%; no homozygotes.

Submission:

Labcorp Genetics (formerly Invitae), Labcorp
Classification: Uncertain significance for Arginine:glycine amidinotransferase deficiency. Last evaluated: 2025-02-19. Review status: criteria provided, single submitter. Criteria: Invitae Variant Classification Sherloc (09022015). Collection method: clinical testing. Allele origin: germline.
Comment: This sequence change replaces asparagine, which is neutral and polar, with threonine, which is neutral and polar, at codon 132 of the GATM protein (p.Asn132Thr). This variant is not present in population databases (gnomAD no frequency). This variant has not been reported in the literature in individuals affected with GATM-related conditions. ClinVar contains an entry for this variant (Variation ID: 1400805). Invitae Evidence Modeling of protein sequence and biophysical properties (such as structural, functional, and spatial information, amino acid conservation, physicochemical variation, residue mobility, and thermodynamic stability) has been performed for this missense variant. However, the output from this modeling did not meet the statistical confidence thresholds required to predict the impact of this variant on GATM protein function. In summary, the available evidence is currently insufficient to determine the role of this variant in disease. Therefore, it has been classified as a Variant of Uncertain Significance.

NM_001482.3(GATM):c.395A>C (p.Asn132Thr)

Gene: GATM (glycine amidinotransferase; minus strand). Cytogenetic location: 15q21.1.
Variant type: single nucleotide variant.
Coding change: c.395A>C on transcript NM_001482.3 (MANE Select); coding-DNA position 395, A replaced by C.
Protein change: p.Asn132Thr; replaces asparagine 132 with threonine.
Molecular consequence: missense variant.
Genome position (GRCh38, 1-based): chr15:45,369,415, T>G on the plus strand (A>C on the coding strand, the complement: GATM is on the minus strand). VCF-style: chr15-45369415-T-G. GRCh37 (hg19) VCF-style: chr15-45661613-T-G.
Other names: c.8A>C, p.Asn3Thr (NM_001321015.2); short protein forms N132T, N3T.
Identifiers: ClinVar variation 1400805 (VCV001400805.8), dbSNP rs759658712, ClinGen allele CA392261787.